The following is an entry in ClinVar:

ClinVar aggregate classification (germline): Pathogenic (1 of 4 stars; one submission).

Conditions:
Multiple congenital exostosis (EXT). Also called: Multiple exostoses; Hereditary multiple exostoses; Hereditary multiple exostosis; MULTIPLE CARTILAGINOUS EXOSTOSES; Hereditary multiple osteochondromas; Multiple osteochondromas. Identifiers: Orphanet 321, MedGen C0015306, MONDO:0005508, HP:0002762.

Submission:

Labcorp Genetics (formerly Invitae), Labcorp
Classification: Pathogenic for Multiple congenital exostosis. Last evaluated: 2017-12-16. Review status: criteria provided, single submitter. Criteria: Invitae Variant Classification Sherloc (09022015). Collection method: clinical testing. Allele origin: germline.
Comment: For these reasons, this variant has been classified as Pathogenic. Loss-of-function variants in EXT1 are known to be pathogenic (PMID: 10679937, 11391482, 19810120). This variant has not been reported in the literature in individuals with a EXT1-related disease. However, a different variant (c.651-664delinsTTT) giving rise to a similar protein effect observed here (p.Lys218Leufs*3) has been reported to segregate with hereditary multiple exostoses in a single family (PMID: 19839753). This variant is not present in population databases (ExAC no frequency). This sequence change creates a premature translational stop signal (p.Lys218Glyfs*8) in the EXT1 gene. It is expected to result in an absent or disrupted protein product.

Literature cited by the submitters: PubMed 10679937; PubMed 11391482; PubMed 19810120; PubMed 19839753.

NM_000127.3(EXT1):c.644_647dup (p.Lys218fs)

Gene: EXT1 (exostosin glycosyltransferase 1; minus strand). Cytogenetic location: 8q24.11.
Variant type: Duplication.
Coding change: c.644_647dup on transcript NM_000127.3 (MANE Select); coding-DNA positions 644 to 647, 4 bases duplicated (TGCT; older notation c.644_647dupTGCT).
Protein change: p.Lys218fs; shifts the reading frame from lysine 218.
Molecular consequence: frameshift variant.
Genome position (GRCh38, 1-based): chr8:118,110,400-118,110,403, AGCA duplicated on the plus strand (TGCT on the coding strand, the reverse complement: EXT1 is on the minus strand). VCF-style (leftmost placement, unchanged base first): chr8-118110399-C-CAGCA. GRCh37 (hg19) VCF-style: chr8-119122638-C-CAGCA.
Other names: c.644_647dupTGCT (NM_000127.2); short protein forms K218fs.
Identifiers: ClinVar variation 526297 (VCV000526297.6), dbSNP rs1554601507, ClinGen allele CA658797141.